The following is an entry in ClinVar:

ClinVar aggregate classification (germline): Uncertain significance. Review status: criteria provided, multiple submitters, no conflicts (2 of 4 stars). 2 submissions from 2 submitters: Uncertain significance (2). Last evaluated 2025-03-24.

Conditions:
SHOX-related disorder. Also called: SHOX-related condition.

Allele frequency attached by ClinVar (database versions not stated): TOPMed below 0.00001.

Submissions (2):

PreventionGenetics, part of Exact Sciences
Classification: Uncertain significance for SHOX-related condition. Last evaluated: 2025-03-24. Review status: criteria provided, single submitter. Criteria: ACMG Guidelines, 2015. Collection method: clinical testing. Allele origin: germline.
Comment: The SHOX c.374C>T variant is predicted to result in the amino acid substitution p.Thr125Met. To our knowledge, this variant has not been reported in the literature or in a large population database (gnomAD), indicating this variant is rare. At this time, the clinical significance of this variant is uncertain due to the absence of conclusive functional and genetic evidence.

Athena Diagnostics
Classification: Uncertain significance. Last evaluated: 2021-03-19. Review status: criteria provided, single submitter. Criteria: Athena Diagnostics criteria. Collection method: clinical testing. Allele origin: unknown.

NM_000451.4(SHOX):c.374C>T (p.Thr125Met)

Genes: SHOX (SHOX homeobox; plus strand), LOC107652445 (meiotic recombination hotspot SHOX; plus strand). Cytogenetic location: Xp22.33.
Variant type: single nucleotide variant.
Coding change: c.374C>T on transcript NM_000451.4 (MANE Select); coding-DNA position 374, C replaced by T.
Protein change: p.Thr125Met; replaces threonine 125 with methionine.
Molecular consequence: missense variant.
Genome position (GRCh38, 1-based): chrX:634,714, C>T. VCF-style: chrX-634714-C-T. GRCh37 (hg19) VCF-style: chrX-595449-C-T.
Other names: c.374C>T, p.Thr125Met (NM_006883.2); short protein forms T125M.
Identifiers: ClinVar variation 1256552 (VCV001256552.2), dbSNP rs2052712054, ClinGen allele CA412231355.